The following is an entry in ClinVar:

NM_000059.4(BRCA2):c.9887del (p.Lys3296fs)

Gene: BRCA2 (BRCA2 DNA repair associated; plus strand). Cytogenetic location: 13q13.1.
Variant type: Deletion.
Coding change: c.9887del on transcript NM_000059.4 (MANE Select); coding-DNA position 9887, one base deleted (A; older notation c.9887delA).
Protein change: p.Lys3296fs; shifts the reading frame from lysine 3296.
Molecular consequence: frameshift variant.
Genome position (GRCh38, 1-based): chr13:32,398,400, A deleted; the last of 2 consecutive A bases (chr13:32,398,399-32,398,400); deleting either gives the same sequence. VCF-style (leftmost placement, unchanged base first): chr13-32398398-GA-G. GRCh37 (hg19) VCF-style: chr13-32972535-GA-G.
Other names: c.9887delA (NM_000059.3); short protein forms K3296fs.
Identifiers: ClinVar variation 531239 (VCV000531239.9), dbSNP rs1555289992, ClinGen allele CA658798107.

ClinVar aggregate classification (germline): Pathogenic (1 of 4 stars; one submission).

Conditions:
Hereditary breast ovarian cancer syndrome. Also called: Hereditary breast and ovarian cancer syndrome (HBOC); BRCA1- and BRCA2-Associated Hereditary Breast and Ovarian Cancer; Hereditary breast and ovarian cancer syndrome; Breast and ovarian cancer; Hereditary breast and ovarian cancer; Hereditary breast and/or ovarian cancer syndrome. Identifiers: Orphanet 145, MedGen C0677776, MeSH D061325, MONDO:0003582. Disease mechanism: loss of function.

Submission:

Labcorp Genetics (formerly Invitae), Labcorp
Classification: Pathogenic for Hereditary breast ovarian cancer syndrome. Last evaluated: 2020-12-13. Review status: criteria provided, single submitter. Criteria: Invitae Variant Classification Sherloc (09022015). Collection method: clinical testing. Allele origin: germline.
Comment: For these reasons, this variant has been classified as Pathogenic. This variant is expected to partially affect the amino acid residues Ala3270-Gly3305, which are critical for RAD51-mediated DNA repair activity of the BRCA2 protein (PMID: 17515903, 24323938). Two different truncations downstream of this variant (p.Gln3299*, p.Tyr3308*) have been determined to be pathogenic (PMID: 17026620, 22711857, 18593900, 18607349, Invitae). This suggests that deletion of this region of the BRCA2 protein is causative of disease. This variant has not been reported in the literature in individuals with BRCA2-related disease. ClinVar contains an entry for this variant (Variation ID: 531239). This variant is not present in population databases (ExAC no frequency). This sequence change results in a premature translational stop signal in the BRCA2 gene (p.Lys3296Argfs*17). While this is not anticipated to result in nonsense mediated decay, it is expected to disrupt the last 123 amino acids of the BRCA2 protein.

Literature cited by the submitters: PubMed 17515903; PubMed 24323938; PubMed 17026620; PubMed 22711857; PubMed 18593900; PubMed 18607349.